The following is an entry in ClinVar:

NM_003072.5(SMARCA4):c.2998_2999del (p.Met1000fs)

Gene: SMARCA4 (SWI/SNF related BAF chromatin remodeling complex subunit ATPase 4; plus strand). Cytogenetic location: 19p13.2.
Variant type: Deletion.
Coding change: c.2998_2999del on transcript NM_003072.5 (MANE Select); coding-DNA positions 2998 to 2999, 2 bases deleted (AT; older notation c.2998_2999delAT).
Protein change: p.Met1000fs; shifts the reading frame from methionine 1000.
Molecular consequence: frameshift variant. On other transcripts: non-coding transcript variant (1).
Genome position (GRCh38, 1-based): chr19:11,024,355-11,024,356, AT deleted. VCF-style (leftmost placement, unchanged base first): chr19-11024354-CAT-C. GRCh37 (hg19) VCF-style: chr19-11135030-CAT-C.
Other names: c.2998_2999delAT (NM_001128849.1); c.2998_2999del, p.Met1000fs (NM_001128845.2, NM_001128846.2, NM_001128847.4 and 6 more transcripts); c.2998_2999del (NM_001128849.1); short protein forms M1000fs.
Identifiers: ClinVar variation 3958418 (VCV003958418.2).

ClinVar aggregate classification (germline): Pathogenic. Review status: criteria provided, multiple submitters, no conflicts (2 of 4 stars). 2 submissions from 2 submitters: Pathogenic (2). Last evaluated 2025-10-17.

Conditions:
Hereditary cancer-predisposing syndrome. Also called: Tumor predisposition; Hereditary neoplastic syndrome; Hereditary Cancer Syndrome; Neoplastic Syndromes, Hereditary. Identifiers: Orphanet 140162, MedGen C0027672, MeSH D009386, MONDO:0015356.

Submissions (2):

Quest Diagnostics Nichols Institute San Juan Capistrano
Classification: Pathogenic. Last evaluated: 2025-10-17. Review status: criteria provided, single submitter. Criteria: Quest Diagnostics criteria. Collection method: clinical testing. Allele origin: unknown.
Comment: The SMARCA4 c.2998_2999del (p.Met1000Valfs*20) variant alters the translational reading frame of the SMARCA4 mRNA and causes the premature termination of SMARCA4 protein synthesis. This variant has not been reported in individuals with SMARCA4-related conditions in the published literature. This variant has not been reported in large, multi-ethnic general populations (Genome Aggregation Database). Based on the available information, this variant is classified as pathogenic.

Ambry Genetics
Classification: Pathogenic for Hereditary cancer-predisposing syndrome. Last evaluated: 2025-03-17. Review status: criteria provided, single submitter. Criteria: Ambry Variant Classification Scheme 2023. Collection method: clinical testing. Allele origin: germline.
Comment: The c.2998_2999delAT pathogenic mutation, located in coding exon 20 of the SMARCA4 gene, results from a deletion of two nucleotides at nucleotide positions 2998 to 2999, causing a translational frameshift with a predicted alternate stop codon (p.M1000Vfs*20). This variant is considered to be rare based on population cohorts in the Genome Aggregation Database (gnomAD). Loss-of-function variants in SMARCA4 are known to cause rhabdoid tumor predisposition syndrome including small cell carcinoma of the ovary-hypercalcemic type (SCCOHT); however, such associations with neurodevelopmental disorders are exceedingly rare (Kosho T et al. Am J Med Genet C Semin Med Genet. 2014 Sep;166C(3):262-75; Jelinic P et al. Nat Genet. 2014 May;46(5):424-6). This alteration is expected to result in loss of function by premature protein truncation or nonsense-mediated mRNA decay. As such, this alteration is interpreted as a disease-causing mutation for rhabdoid tumor predisposition syndrome; however, the association of this alteration with Coffin-Siris syndrome is unlikely.